The following is an entry in ClinVar:

ClinVar aggregate classification (germline): Uncertain significance (1 of 4 stars; one submission).

Conditions:
Inborn genetic diseases. Identifiers: MedGen C0950123, MeSH D030342.

Submission:

Ambry Genetics
Classification: Uncertain significance for Inborn genetic diseases. Last evaluated: 2025-04-17. Review status: criteria provided, single submitter. Criteria: Ambry Variant Classification Scheme 2023. Collection method: clinical testing. Allele origin: germline.
Comment: The p.L187M variant (also known as c.559C>A), located in coding exon 1 of the SH2B3 gene, results from a C to A substitution at nucleotide position 559. The leucine at codon 187 is replaced by methionine, an amino acid with highly similar properties. This amino acid position is conserved. In addition, this alteration is predicted to be tolerated by in silico analysis. Based on the available evidence, the clinical significance of this variant remains unclear.

NM_005475.3(SH2B3):c.559C>A (p.Leu187Met)

Gene: SH2B3 (SH2B adaptor protein 3; plus strand). Cytogenetic location: 12q24.12.
Variant type: single nucleotide variant.
Coding change: c.559C>A on transcript NM_005475.3 (MANE Select); coding-DNA position 559, C replaced by A.
Protein change: p.Leu187Met; replaces leucine 187 with methionine.
Molecular consequence: missense variant.
Genome position (GRCh38, 1-based): chr12:111,418,704, C>A. VCF-style: chr12-111418704-C-A. GRCh37 (hg19) VCF-style: chr12-111856508-C-A.
Other names: short protein forms L187M.
Identifiers: ClinVar variation 3953457 (VCV003953457.1).